The following is an entry in ClinVar:

NM_002578.5(PAK3):c.468G>A (p.Ser156=)

Gene: PAK3 (p21 (RAC1) activated kinase 3; plus strand). Cytogenetic location: Xq23.
Variant type: single nucleotide variant.
Coding change: c.468G>A on transcript NM_002578.5 (MANE Select); coding-DNA position 468, G replaced by A.
Protein change: p.Ser156=; no amino-acid change (serine 156 retained).
Molecular consequence: synonymous variant. On other transcripts: non-coding transcript variant (2).
Genome position (GRCh38, 1-based): chrX:111,152,447, G>A. VCF-style: chrX-111152447-G-A. GRCh37 (hg19) VCF-style: chrX-110395675-G-A.
Other names: c.468G>A, p.Ser156= (NM_001128166.3, NM_001128167.3, NM_001324325.2 and 5 more transcripts); c.576G>A, p.Ser192= (NM_001128168.3); c.531G>A, p.Ser177= (NM_001128172.2); c.513G>A, p.Ser171= (NM_001128173.3, NM_001324327.2, NM_001324328.2 and 2 more transcripts).
Identifiers: ClinVar variation 732543 (VCV000732543.14), dbSNP rs143591118, ClinGen allele CA10492642.

ClinVar aggregate classification (germline): Likely benign. Review status: criteria provided, multiple submitters, no conflicts (2 of 4 stars). 2 submissions from 2 submitters: Likely benign (2). Last evaluated 2026-05-01.

Allele frequency attached by ClinVar (database versions not stated): ExAC 0.00005; gnomAD exomes 0.00006 and 0.00018; gnomAD 0.00011 and 0.00012; TOPMed 0.00014; ESP Exome Variant Server 0.00019.
gnomAD v4.1: 196 of 1,156,194 alleles (0.017%); highest among the groups gnomAD compares: Middle Eastern, 0.094%; no homozygotes.

Submissions (2):

CeGaT Center for Human Genetics Tuebingen
Classification: Likely benign. Last evaluated: 2026-05-01. Review status: criteria provided, single submitter. Criteria: CeGaT Center For Human Genetics Tuebingen Variant Classification Criteria Version 2. Collection method: clinical testing. Allele origin: germline. Affected: yes. Observed: 2 variant alleles.
Comment: PAK3: BS2

Labcorp Genetics (formerly Invitae), Labcorp
Classification: Likely benign. Last evaluated: 2025-01-20. Review status: criteria provided, single submitter. Criteria: Invitae Variant Classification Sherloc (09022015). Collection method: clinical testing. Allele origin: germline.